The following is an entry in ClinVar:

NM_004055.5(CAPN5):c.727C>A (p.Arg243Ser)

Gene: CAPN5 (calpain 5; plus strand). Cytogenetic location: 11q13.5.
Variant type: single nucleotide variant.
Coding change: c.727C>A on transcript NM_004055.5 (MANE Select); coding-DNA position 727, C replaced by A.
Protein change: p.Arg243Ser; replaces arginine 243 with serine.
Molecular consequence: missense variant.
Genome position (GRCh38, 1-based): chr11:77,115,422, C>A. VCF-style: chr11-77115422-C-A. GRCh37 (hg19) VCF-style: chr11-76826468-C-A.
Other names: short protein forms R243S.
Identifiers: ClinVar variation 2131970 (VCV002131970.4), dbSNP rs782530651, ClinGen allele CA381938703.

ClinVar aggregate classification (germline): Uncertain significance (1 of 4 stars; one submission).

Submission:

Labcorp Genetics (formerly Invitae), Labcorp
Classification: Uncertain significance. Last evaluated: 2022-04-29. Review status: criteria provided, single submitter. Criteria: Invitae Variant Classification Sherloc (09022015). Collection method: clinical testing. Allele origin: germline.
Comment: In summary, the available evidence is currently insufficient to determine the role of this variant in disease. Therefore, it has been classified as a Variant of Uncertain Significance. This variant disrupts the p.Arg243 amino acid residue in CAPN5. Other variant(s) that disrupt this residue have been determined to be pathogenic (PMID: 23055945, 24381307, 25994508). This suggests that this residue is clinically significant, and that variants that disrupt this residue are likely to be disease-causing. Algorithms developed to predict the effect of missense changes on protein structure and function are either unavailable or do not agree on the potential impact of this missense change (SIFT: "Deleterious"; PolyPhen-2: "Possibly Damaging"; Align-GVGD: "Class C0"). This variant has not been reported in the literature in individuals affected with CAPN5-related conditions. This variant is not present in population databases (gnomAD no frequency). This sequence change replaces arginine, which is basic and polar, with serine, which is neutral and polar, at codon 243 of the CAPN5 protein (p.Arg243Ser).

Literature cited by the submitters: PubMed 23055945; PubMed 24381307; PubMed 25994508.